The following is an entry in ClinVar:

ClinVar aggregate classification (germline): Conflicting classifications of pathogenicity. Review status: criteria provided, conflicting classifications (1 of 4 stars). 2 submissions from 2 submitters: Likely pathogenic (1); Uncertain significance (1). Last evaluated 2024-09-17.

Conditions:
Hereditary cancer-predisposing syndrome. Also called: Hereditary neoplastic syndrome; Tumor predisposition; Neoplastic Syndromes, Hereditary; Hereditary Cancer Syndrome. Identifiers: Orphanet 140162, MedGen C0027672, MeSH D009386, MONDO:0015356.
BAP1-related tumor predisposition syndrome (TPDS1). Also called: Tumor susceptibility linked to germline BAP1 mutations; TUMOR PREDISPOSITION SYNDROME 1; COMMON Syndrome; BAP1 tumor predisposition syndrome. Identifiers: Orphanet 289539, MedGen C3280492, MONDO:0013692, OMIM 614327.

Submissions (2):

Ambry Genetics
Classification: Uncertain significance for Hereditary cancer-predisposing syndrome. Last evaluated: 2024-09-17. Review status: criteria provided, single submitter. Criteria: Ambry Variant Classification Scheme 2023. Collection method: clinical testing. Allele origin: germline.
Comment: The c.932-2A>T intronic variant results from an A to T substitution two nucleotides upstream from coding exon 11 in the BAP1 gene. This nucleotide position is highly conserved in available vertebrate species. In silico splice site analysis predicts that this alteration will weaken the native splice acceptor site and may result in the creation or strengthening of a novel splice acceptor site. The resulting transcript is predicted to be in-frame and is not expected to trigger nonsense-mediated mRNA decay. RNA studies have demonstrated that this alteration results in a transcript predicted to lead to a protein with an in-frame deletion of three amino acids; however, the exact functional impact of the deleted amino acids is unknown at this time (Ambry internal data). The exact functional effect of the altered amino acid sequence is unknown. Based on the available evidence, the clinical significance of this variant remains unclear.

Labcorp Genetics (formerly Invitae), Labcorp
Classification: Likely pathogenic for BAP1-related tumor predisposition syndrome. Last evaluated: 2024-02-26. Review status: criteria provided, single submitter. Criteria: Invitae Variant Classification Sherloc (09022015). Collection method: clinical testing. Allele origin: germline.
Comment: This sequence change affects an acceptor splice site in intron 10 of the BAP1 gene. It is expected to disrupt RNA splicing. Variants that disrupt the donor or acceptor splice site typically lead to a loss of protein function (PMID: 16199547), and loss-of-function variants in BAP1 are known to be pathogenic (PMID: 21874000, 23684012). This variant is not present in population databases (gnomAD no frequency). This variant has not been reported in the literature in individuals affected with BAP1-related conditions. ClinVar contains an entry for this variant (Variation ID: 572134). Algorithms developed to predict the effect of sequence changes on RNA splicing suggest that this variant may disrupt the consensus splice site. In summary, the currently available evidence indicates that the variant is pathogenic, but additional data are needed to prove that conclusively. Therefore, this variant has been classified as Likely Pathogenic.

Literature cited by the submitters: PubMed 16199547 (cited by Labcorp Genetics (formerly Invitae), Labcorp); PubMed 21874000 (cited by Labcorp Genetics (formerly Invitae), Labcorp); PubMed 23684012 (cited by Labcorp Genetics (formerly Invitae), Labcorp).

NM_004656.4(BAP1):c.932-2A>T

Gene: BAP1 (BRCA1 associated deubiquitinase 1; minus strand). Cytogenetic location: 3p21.1.
Variant type: single nucleotide variant.
Coding change: c.932-2A>T on transcript NM_004656.4 (MANE Select); the canonical splice acceptor site of the intron before coding-DNA position 932, A replaced by T.
Molecular consequence: splice acceptor variant.
Genome position (GRCh38, 1-based): chr3:52,405,296, T>A on the plus strand (A>T on the coding strand, the complement: BAP1 is on the minus strand). VCF-style: chr3-52405296-T-A. GRCh37 (hg19) VCF-style: chr3-52439312-T-A.
Other names: c.878-2A>T (NM_001410772.1); c.932-2A>T (NM_004656.2).
Identifiers: ClinVar variation 572134 (VCV000572134.7), dbSNP rs112194987, ClinGen allele CA353106409.